The following is an entry in ClinVar:

ClinVar aggregate classification (germline): Uncertain significance. Review status: criteria provided, multiple submitters, no conflicts (2 of 4 stars). 2 submissions from 2 submitters: Uncertain significance (2). Last evaluated 2025-05-04.

Conditions:
Inborn genetic diseases. Identifiers: MedGen C0950123, MeSH D030342.

Allele frequency attached by ClinVar (database versions not stated): gnomAD exomes below 0.00001; ExAC 0.00001.

Submissions (2):

Ambry Genetics
Classification: Uncertain significance for Inborn genetic diseases. Last evaluated: 2025-05-04. Review status: criteria provided, single submitter. Criteria: Ambry Variant Classification Scheme 2023. Collection method: clinical testing. Allele origin: germline.

Labcorp Genetics (formerly Invitae), Labcorp
Classification: Uncertain significance. Last evaluated: 2022-04-26. Review status: criteria provided, single submitter. Criteria: Invitae Variant Classification Sherloc (09022015). Collection method: clinical testing. Allele origin: germline.
Comment: This sequence change replaces alanine, which is neutral and non-polar, with serine, which is neutral and polar, at codon 1536 of the FAT4 protein (p.Ala1536Ser). This variant is present in population databases (rs765320042, gnomAD 0.003%). This variant has not been reported in the literature in individuals affected with FAT4-related conditions. Advanced modeling of protein sequence and biophysical properties (such as structural, functional, and spatial information, amino acid conservation, physicochemical variation, residue mobility, and thermodynamic stability) performed at Invitae indicates that this missense variant is not expected to disrupt FAT4 protein function. In summary, the available evidence is currently insufficient to determine the role of this variant in disease. Therefore, it has been classified as a Variant of Uncertain Significance.

NM_001291303.3(FAT4):c.4606G>T (p.Ala1536Ser)

Gene: FAT4 (FAT atypical cadherin 4; plus strand). Cytogenetic location: 4q28.1.
Variant type: single nucleotide variant.
Coding change: c.4606G>T on transcript NM_001291303.3 (MANE Select); coding-DNA position 4606, G replaced by T.
Protein change: p.Ala1536Ser; replaces alanine 1536 with serine.
Molecular consequence: missense variant.
Genome position (GRCh38, 1-based): chr4:125,321,017, G>T. VCF-style: chr4-125321017-G-T. GRCh37 (hg19) VCF-style: chr4-126242172-G-T.
Other names: c.4606G>T, p.Ala1536Ser (NM_001291285.3, NM_024582.6); c.4606G>T (NM_024582.4); short protein forms A1536S.
Identifiers: ClinVar variation 1491991 (VCV001491991.4), dbSNP rs765320042, ClinGen allele CA3072489.
Genomic context (GRCh38, chr4:125,321,017, plus strand): 5'-ACCATTTTGGTTACAGACCTCAATGACAATGTCCCAATGTTTATATCACAAAACGCCCTT[G>T]CTGCAGACCCATCAGCTGTGATTGGTTCCGTTCTGACAACAATTATGGCTGCTGACCCAG-3'
Protein context (NP_001278232.1, residues 1526-1546): VPMFISQNAL[Ala1536Ser]ADPSAVIGSV